The following is an entry in ClinVar:

ClinVar aggregate classification (germline): Uncertain significance. Review status: criteria provided, multiple submitters, no conflicts (2 of 4 stars). 5 submissions from 3 submitters: Uncertain significance (5). Last evaluated 2022-01-12.

Conditions:
Congenital multicore myopathy with external ophthalmoplegia (CMYO1B). Also called: MULTICORE MYOPATHY; Minicore myopathy with external ophthalmoplegia; Congenital myopathy 1B, autosomal recessive; Minicore myopathy; MULTIMINICORE DISEASE WITH EXTERNAL OPHTHALMOPLEGIA. Identifiers: Orphanet 598, Orphanet 98905, MedGen C1850674, MONDO:0009712, OMIM 255320, HP:0003789.
King Denborough syndrome (KDS). Identifiers: MedGen C1840365, MONDO:0020485, OMIM 619542.
Malignant hyperthermia, susceptibility to, 1 (MHS1). Also called: Anesthesia related hyperthermia; Malignant hyperpyrexia; Fulminating hyperpyrexia; Pharmacogenic myopathy; RYR1-Related Malignant Hyperthermia Susceptibility; Malignant hyperthermia suceptibility 1. Identifiers: Orphanet 423, MedGen C2930980, MONDO:0007783, OMIM 145600.
Congenital myopathy with fiber type disproportion. Also called: Congenital fiber-type disproportion myopathy; Congenital fiber-type disproportion. Identifiers: Orphanet 2020, MedGen C0546264, MONDO:0009711. Inheritance: all.
Central core myopathy (CMYO1A). Also called: CONGENITAL MYOPATHY 1A, AUTOSOMAL DOMINANT, WITH SUSCEPTIBILITY TO MALIGNANT HYPERTHERMIA; Central core disease; Myopathy, central fibrillar. Identifiers: Orphanet 597, MedGen C5830701, MONDO:0007294, OMIM 117000.
RYR1-related disorder. Also called: RYR1-related condition; RYR1-related disorders. Identifiers: MedGen CN239331.

Allele frequency attached by ClinVar (database versions not stated): gnomAD exomes below 0.00001; TOPMed below 0.00001.
gnomAD v4.1: 2 of 1,610,806 alleles (0.00012%); highest among the groups gnomAD compares: Non-Finnish European, 0.00017%; no homozygotes.

Submissions (5):

Labcorp Genetics (formerly Invitae), Labcorp
Classification: Uncertain significance for RYR1-related disorder. Last evaluated: 2022-01-12. Review status: criteria provided, single submitter. Criteria: Invitae Variant Classification Sherloc (09022015). Collection method: clinical testing. Allele origin: germline.
Comment: This sequence change replaces arginine, which is basic and polar, with cysteine, which is neutral and slightly polar, at codon 1670 of the RYR1 protein (p.Arg1670Cys). This variant is not present in population databases (gnomAD no frequency). This variant has not been reported in the literature in individuals affected with RYR1-related conditions. ClinVar contains an entry for this variant (Variation ID: 891364). Advanced modeling of protein sequence and biophysical properties (such as structural, functional, and spatial information, amino acid conservation, physicochemical variation, residue mobility, and thermodynamic stability) performed at Invitae indicates that this missense variant is not expected to disrupt RYR1 protein function. In summary, the available evidence is currently insufficient to determine the role of this variant in disease. Therefore, it has been classified as a Variant of Uncertain Significance.

Fulgent Genetics
Classification: Uncertain significance for Central core myopathy; Malignant hyperthermia, susceptibility to, 1; Congenital myopathy 4A, autosomal dominant; Congenital multicore myopathy with external ophthalmoplegia; King Denborough syndrome. Last evaluated: 2021-07-12. Review status: criteria provided, single submitter. Criteria: ACMG Guidelines, 2015. Collection method: clinical testing. Allele origin: unknown.

Illumina Laboratory Services, Illumina
Classification: Uncertain significance for Central core myopathy. Last evaluated: 2018-01-13. Review status: criteria provided, single submitter. Criteria: ICSL Variant Classification Criteria 13 December 2019. Collection method: clinical testing. Allele origin: germline.

Illumina Laboratory Services, Illumina
Classification: Uncertain significance for Congenital multicore myopathy with external ophthalmoplegia. Last evaluated: 2018-01-13. Review status: criteria provided, single submitter. Criteria: ICSL Variant Classification Criteria 13 December 2019. Collection method: clinical testing. Allele origin: germline.

Illumina Laboratory Services, Illumina
Classification: Uncertain significance for Malignant hyperthermia, susceptibility to, 1. Last evaluated: 2018-01-13. Review status: criteria provided, single submitter. Criteria: ICSL Variant Classification Criteria 13 December 2019. Collection method: clinical testing. Allele origin: germline.

NM_000540.3(RYR1):c.5008C>T (p.Arg1670Cys)

Gene: RYR1 (ryanodine receptor 1; plus strand). Cytogenetic location: 19q13.2.
Variant type: single nucleotide variant.
Coding change: c.5008C>T on transcript NM_000540.3 (MANE Select); coding-DNA position 5008, C replaced by T.
Protein change: p.Arg1670Cys; replaces arginine 1670 with cysteine.
Molecular consequence: missense variant.
Genome position (GRCh38, 1-based): chr19:38,485,663, C>T. VCF-style: chr19-38485663-C-T. GRCh37 (hg19) VCF-style: chr19-38976303-C-T.
Other names: c.5008C>T, p.Arg1670Cys (NM_001042723.2); short protein forms R1670C.
Identifiers: ClinVar variation 891364 (VCV000891364.6), dbSNP rs1182258955, ClinGen allele CA405653030.